The following is an entry in ClinVar:

ClinVar aggregate classification (germline): Uncertain significance. Review status: criteria provided, multiple submitters, no conflicts (2 of 4 stars). 3 submissions from 3 submitters: Uncertain significance (2). 1 of the submissions does not count toward it. Last evaluated 2018-07-17.

Conditions:
Autosomal recessive limb-girdle muscular dystrophy type 2J (LGMDR10). Also called: MUSCULAR DYSTROPHY, LIMB-GIRDLE, AUTOSOMAL RECESSIVE 10; Limb-girdle muscular dystrophy, type 2J. Identifiers: Orphanet 140922, MedGen C1837342, MONDO:0012127, OMIM 608807.
Dilated cardiomyopathy 1G (CMD1G). Identifiers: Orphanet 154, MedGen C1858763, MONDO:0011400, OMIM 604145.
Tip-toe gait. Also called: Toe walking. Identifiers: MedGen C0427144, HP:0030051.

Allele frequency attached by ClinVar (database versions not stated): gnomAD exomes 0.00026; gnomAD 0.00604.

Submissions (6):

Labcorp Genetics (formerly Invitae), Labcorp
Classification: Uncertain significance for Dilated cardiomyopathy 1G; Autosomal recessive limb-girdle muscular dystrophy type 2J. Last evaluated: 2018-07-17. Review status: criteria provided, single submitter. Criteria: Invitae Variant Classification Sherloc (09022015). Collection method: clinical testing. Allele origin: germline.
Comment: This sequence change affects an acceptor splice site in intron 111 of the TTN gene. It is expected to disrupt RNA splicing. While this is not anticipated to result in nonsense mediated decay, it is expected to create a truncated TTN protein. This variant has not been reported in the literature in individuals with TTN-related disease. ClinVar contains an entry for this variant (Variation ID: 288424). This variant is located in the I band of TTN (PMID: 25589632). Truncating variants in this region have been shown to be highly prevalent in the general population and unaffected individuals (PMID: 26701604, 22335739). However, truncating variants in this region have also been reported in individuals affected with autosomal recessive centronuclear myopathy (PMID: 23975875). In summary, the available evidence is currently insufficient to determine the role of this variant in disease. Therefore, it has been classified as a Variant of Uncertain Significance.

Eurofins Ntd Llc (ga)
Classification: Uncertain significance. Last evaluated: 2016-09-15. Review status: criteria provided, single submitter. Criteria: EGL Classification Definitions 2015. Collection method: clinical testing. Allele origin: germline. Observed: 10 variant alleles.

Practice for Gait Abnormalities, David Pomarino, Competency Network Toe Walking C/o Practice Pomarino
Classification: Likely pathogenic for Tip-toe gait. Last evaluated: 2022-01-19. Review status: no assertion criteria provided. Collection method: clinical testing. Allele origin: germline. Affected: yes. Not counted in ClinVar's aggregate classification.
Comment: Myopathy refers to diseases that affect skeletal Muscles. These diseases attack muscle fibers, making muscles weak. Inherited myopathies are often caused by inheriting an abnormal gene mutation from a parent that causes the disease. Symptoms of congenital myopathies usually start at birth or in early childhood, but may not appear until the teen years or even later in adulthood. Congenital myopathies are somewhat unique compared with other inherited myopathies, as weakness typically affects all muscles and is often not progressive. Symptoms are: Muscle weakness, most commonly of upper arms and shoulders and thighs, muscle cramps, stiffness and spasms, fatigue with exertion and lack of energy. Our patients all walk on tiptoe, so they show similar symptoms. When we genetically test them with our toe walking panel, we find that around 90 per cent of them have a genetic variant that explains their toe walking. These can be assigned, for example, to the area of myopathies (such as variants of the COL6A3 gene), the area of hereditary neuropathies (such as variants of the KMT2C gene) or the area of metabolic diseases (such as variants of the PYGM gene). In a smaller group of patients with almost identical symptoms, no abnormality is found in the genes of our panel, but spastic paraplegia can be detected. In another small group of our toe walkers, no abnormalities can be detected in the genes analysed in our toe walking panel, nor do they suffer from spastic paraplegia, as is also the case with healthy children. In contrast to these, however, they show a tiptoe gait. These patients suffer from infantile cerebral palsy, in which toe walking can also be observed.

Dr. Peter K. Rogan Lab, Western University
No classification provided (evidence only). Condition: Acute myeloid leukemia. Review status: no classification provided. Collection method: in vitro. Allele origin: not applicable. Functional consequence: retained intron. Not counted in ClinVar's aggregate classification.

Dr. Peter K. Rogan Lab, Western University
No classification provided (evidence only). Condition: Thymoma. Review status: no classification provided. Collection method: in vitro. Allele origin: not applicable. Functional consequence: retained intron. Not counted in ClinVar's aggregate classification.

Dr. Peter K. Rogan Lab, Western University
No classification provided (evidence only). Condition: Thymoma. Review status: no classification provided. Collection method: in vitro. Allele origin: not applicable. Functional consequence: retained intron. Not counted in ClinVar's aggregate classification.

Literature cited by the submitters: PubMed 25589632 (cited by Labcorp Genetics (formerly Invitae), Labcorp); PubMed 26701604 (cited by Labcorp Genetics (formerly Invitae), Labcorp); PubMed 22335739 (cited by Labcorp Genetics (formerly Invitae), Labcorp); PubMed 23975875 (cited by Labcorp Genetics (formerly Invitae), Labcorp); PubMed 37091313 (cited by Practice for Gait Abnormalities, David Pomarino, Competency Network Toe Walking C/o Practice Pomarino).

NM_001267550.2(TTN):c.30683-2A>T

Gene: TTN (titin; minus strand). Cytogenetic location: 2q31.2.
Variant type: single nucleotide variant.
Coding change: c.30683-2A>T on transcript NM_001267550.2 (MANE Select); the canonical splice acceptor site of the intron before coding-DNA position 30683, A replaced by T.
Molecular consequence: splice acceptor variant. On other transcripts: intron variant (3).
Genome position (GRCh38, 1-based): chr2:178,698,916, T>A on the plus strand (A>T on the coding strand, the complement: TTN is on the minus strand). VCF-style: chr2-178698916-T-A. GRCh37 (hg19) VCF-style: chr2-179563643-T-A.
Other names: c.13282+39166A>T (NM_003319.4); c.13858+39166A>T (NM_133437.4); c.13657+39166A>T (NM_133432.3); c.26951-2A>T (NM_133378.4); c.29732-2A>T (NM_001256850.1).
Identifiers: ClinVar variation 288424 (VCV000288424.16), dbSNP rs886043892, ClinGen allele CA10606082.
Genomic context (GRCh38, chr2:178,698,916, plus strand): 5'-CATCTCTTTGGGCTTTGCAACAACTTTTTTGGCATCTTTCTTCACAGCCTTTTTGGTAAC[T>A]AAAAAAAAAAAAAAAGAAAAAAAAAGAAAAAATATTTCTGGTGTAAGTAACTAAAATGCT-3'